The following is an entry in ClinVar:

NM_001999.4(FBN2):c.1435G>A (p.Gly479Arg)

Gene: FBN2 (fibrillin 2; minus strand). Cytogenetic location: 5q23.3.
Variant type: single nucleotide variant.
Coding change: c.1435G>A on transcript NM_001999.4 (MANE Select); coding-DNA position 1435, G replaced by A.
Protein change: p.Gly479Arg; replaces glycine 479 with arginine.
Molecular consequence: missense variant.
Genome position (GRCh38, 1-based): chr5:128,393,165, C>T on the plus strand (G>A on the coding strand, the complement: FBN2 is on the minus strand). VCF-style: chr5-128393165-C-T. GRCh37 (hg19) VCF-style: chr5-127728858-C-T.
Other names: short protein forms G479R.
Identifiers: ClinVar variation 213272 (VCV000213272.30), dbSNP rs147346327, ClinGen allele CA323822.
Genomic context (GRCh38, chr5:128,393,165, plus strand): 5'-AAAGAGTCCACAGGAAAACTGACCACTTACTTAGTCCAGTGATGATAGGTCCCTGTCCCC[C>T]GGCCCCCACACCGGCTCCCCCAACGCCAGGAGAAAAGCCATTGCCTCCAGGGATGGGGAT-3'
Protein context (NP_001990.2, residues 469-489): PGVGGAGVGA[Gly479Arg]GQGPIITGLT

ClinVar aggregate classification (germline): Conflicting classifications of pathogenicity. Review status: criteria provided, conflicting classifications (1 of 4 stars). 7 submissions from 7 submitters: Uncertain significance (1); Likely benign (6). Last evaluated 2026-01-26.

Conditions:
Congenital contractural arachnodactyly (CCA). Also called: BEALS SYNDROME; Arthrogryposis, distal, type 9; Beals-Hecht syndrome. Identifiers: Orphanet 115, MedGen C0220668, MONDO:0007363, OMIM 121050.
Familial thoracic aortic aneurysm and aortic dissection (TAAD). Also called: Thoracic aortic aneurysms and dissections. Identifiers: Orphanet 91387, MedGen C4707243, MONDO:0019625.

Allele frequency attached by ClinVar (database versions not stated): ExAC 0.00013; ESP Exome Variant Server 0.00023; gnomAD 0.00039 and 0.00041; TOPMed 0.00045; 1000 Genomes Project 30x 0.00047; 1000 Genomes Project 0.00060.
gnomAD v4.1: 145 of 1,614,076 alleles (0.009%); highest among the groups gnomAD compares: African/African-American, 0.12%; no homozygotes.

Submissions (7):

Women's Health and Genetics/Laboratory Corporation of America, LabCorp
Classification: Likely benign. Last evaluated: 2026-01-26. Review status: criteria provided, single submitter. Criteria: LabCorp Variant Classification Summary - May 2015. Collection method: clinical testing. Allele origin: germline.
Comment: Variant summary: FBN2 c.1435G>A (p.Gly479Arg) results in a non-conservative amino acid change in the encoded protein sequence. Algorithms developed to predict the effect of missense changes on protein structure and function all suggest that this variant is likely to be disruptive. The variant allele was found at a frequency of 0.00012 in 251138 control chromosomes, predominantly at a frequency of 0.001 within the African or African-American subpopulation in the gnomAD database. The observed variant frequency within African or African-American control individuals in the gnomAD database exceeds the estimated maximal expected allele frequency for disease-causing variants in FBN2. c.1435G>A has been observed in one individual with spontaneous coronary artery dissection, without strong evidence of causality (example: Kaadan_2018). This report does not provide unequivocal conclusions about association of the variant with Nonsyndromic Heritable Thoracic Aortic Aneurysms And Dissections. To our knowledge, no experimental evidence demonstrating an impact on protein function has been reported. The following publication has been ascertained in the context of this evaluation (PMID: 29650765). ClinVar contains an entry for this variant (Variation ID: 213272). Based on the evidence outlined above, the variant was classified as likely benign.

Labcorp Genetics (formerly Invitae), Labcorp
Classification: Likely benign for Congenital contractural arachnodactyly. Last evaluated: 2025-11-12. Review status: criteria provided, single submitter. Criteria: Invitae Variant Classification Sherloc (09022015). Collection method: clinical testing. Allele origin: germline.

Blueprint Genetics
Classification: Likely benign. Last evaluated: 2024-11-11. Review status: criteria provided, single submitter. Criteria: ACMG Guidelines, 2015. Collection method: clinical testing. Allele origin: germline.

Ambry Genetics
Classification: Likely benign for Familial thoracic aortic aneurysm and aortic dissection. Last evaluated: 2024-05-31. Review status: criteria provided, single submitter. Criteria: Ambry Variant Classification Scheme 2023. Collection method: clinical testing. Allele origin: germline.

GeneDx
Classification: Likely benign. Last evaluated: 2021-04-14. Review status: criteria provided, single submitter. Criteria: GeneDx Variant Classification Process June 2021. Collection method: clinical testing. Allele origin: germline. Affected: yes.

Illumina Laboratory Services, Illumina
Classification: Likely benign for Congenital contractural arachnodactyly. Last evaluated: 2018-01-12. Review status: criteria provided, single submitter. Criteria: ICSL Variant Classification Criteria 13 December 2019. Collection method: clinical testing. Allele origin: germline.
Comment: This variant was observed in the ICSL laboratory as part of a predisposition screen in an ostensibly healthy population. It had not been previously curated by ICSL or reported in the Human Gene Mutation Database (HGMD: prior to June 1st, 2018), and was therefore a candidate for classification through an automated scoring system. Utilizing variant allele frequency, disease prevalence and penetrance estimates, and inheritance mode, an automated score was calculated to assess if this variant is too frequent to cause the disease. Based on the score and internal cut-off values, a variant classified as likely benign is not then subjected to further curation. The score for this variant resulted in a classification of likely benign for this disease.

ARUP Laboratories, Molecular Genetics and Genomics, ARUP Laboratories
Classification: Uncertain significance. Last evaluated: 2017-01-21. Review status: criteria provided, single submitter. Criteria: ARUP Molecular Germline Variant Investigation Process. Collection method: clinical testing. Allele origin: germline.

Literature cited by the submitters: PubMed 29650765 (cited by Women's Health and Genetics/Laboratory Corporation of America, LabCorp); PubMed 33029862 (cited by Ambry Genetics).